The following is an entry in ClinVar:

NM_003737.4(DCHS1):c.1426C>T (p.Leu476Phe)

Gene: DCHS1 (dachsous cadherin-related 1; minus strand). Cytogenetic location: 11p15.4.
Variant type: single nucleotide variant.
Coding change: c.1426C>T on transcript NM_003737.4 (MANE Select); coding-DNA position 1426, C replaced by T.
Protein change: p.Leu476Phe; replaces leucine 476 with phenylalanine.
Molecular consequence: missense variant.
Genome position (GRCh38, 1-based): chr11:6,640,188, G>A on the plus strand (C>T on the coding strand, the complement: DCHS1 is on the minus strand). VCF-style: chr11-6640188-G-A. GRCh37 (hg19) VCF-style: chr11-6661419-G-A.
Other names: c.1426C>T (NM_003737.3); short protein forms L476F.
Identifiers: ClinVar variation 3712368 (VCV003712368.3).

ClinVar aggregate classification (germline): Uncertain significance. Review status: criteria provided, multiple submitters, no conflicts (2 of 4 stars). 2 submissions from 2 submitters: Uncertain significance (2). Last evaluated 2025-09-10.

Conditions:
DCHS1-related disorder. Also called: DCHS1-related condition.

Submissions (2):

Labcorp Genetics (formerly Invitae), Labcorp
Classification: Uncertain significance. Last evaluated: 2025-09-10. Review status: criteria provided, single submitter. Criteria: Invitae Variant Classification Sherloc (09022015). Collection method: clinical testing. Allele origin: germline.
Comment: This sequence change replaces leucine, which is neutral and non-polar, with phenylalanine, which is neutral and non-polar, at codon 476 of the DCHS1 protein (p.Leu476Phe). This variant is not present in population databases (gnomAD no frequency). This variant has not been reported in the literature in individuals affected with DCHS1-related conditions. ClinVar contains an entry for this variant (Variation ID: 3712368). Invitae Evidence Modeling of protein sequence and biophysical properties (such as structural, functional, and spatial information, amino acid conservation, physicochemical variation, residue mobility, and thermodynamic stability) indicates that this missense variant is not expected to disrupt DCHS1 protein function with a negative predictive value of 80%. In summary, the available evidence is currently insufficient to determine the role of this variant in disease. Therefore, it has been classified as a Variant of Uncertain Significance.

PreventionGenetics, part of Exact Sciences
Classification: Uncertain significance for DCHS1-related condition. Last evaluated: 2024-10-26. Review status: criteria provided, single submitter. Criteria: ACMG Guidelines, 2015. Collection method: clinical testing. Allele origin: germline.
Comment: The DCHS1 c.1426C>T variant is predicted to result in the amino acid substitution p.Leu476Phe. To our knowledge, this variant has not been reported in the literature. This variant is reported in 0.0% of alleles in individuals of African descent in gnomAD. At this time, the clinical significance of this variant is uncertain due to the absence of conclusive functional and genetic evidence.